The following is an entry in ClinVar:

ClinVar aggregate classification (germline): Uncertain significance (1 of 4 stars; one submission).

Submission:

Labcorp Genetics (formerly Invitae), Labcorp
Classification: Uncertain significance. Last evaluated: 2026-01-14. Review status: criteria provided, single submitter. Criteria: Invitae Variant Classification Sherloc (09022015). Collection method: clinical testing. Allele origin: germline.
Comment: This sequence change replaces methionine, which is neutral and non-polar, with valine, which is neutral and non-polar, at codon 387 of the TNNI3K protein (p.Met387Val). This variant is not present in population databases (gnomAD no frequency). This variant has not been reported in the literature in individuals affected with TNNI3K-related conditions. Invitae Evidence Modeling of protein sequence and biophysical properties (such as structural, functional, and spatial information, amino acid conservation, physicochemical variation, residue mobility, and thermodynamic stability) indicates that this missense variant is not expected to disrupt TNNI3K protein function with a negative predictive value of 80%. In summary, the available evidence is currently insufficient to determine the role of this variant in disease. Therefore, it has been classified as a Variant of Uncertain Significance.

NM_015978.3(TNNI3K):c.1159A>G (p.Met387Val)

Genes: FPGT-TNNI3K (FPGT-TNNI3K readthrough; plus strand), TNNI3K (TNNI3 interacting kinase; plus strand). Cytogenetic location: 1p31.1.
Variant type: single nucleotide variant.
Coding change: c.1159A>G on transcript NM_015978.3 (MANE Select); coding-DNA position 1159, A replaced by G.
Protein change: p.Met387Val; replaces methionine 387 with valine.
Molecular consequence: missense variant.
Genome position (GRCh38, 1-based): chr1:74,354,111, A>G. VCF-style: chr1-74354111-A-G. GRCh37 (hg19) VCF-style: chr1-74819795-A-G.
Other names: c.1462A>G, p.Met488Val (NM_001112808.3, NM_001199327.2); short protein forms M387V, M488V.
Identifiers: ClinVar variation 4779994 (VCV004779994.1).